The following is an entry in ClinVar:

ClinVar aggregate classification (germline): Uncertain significance (1 of 4 stars; one submission).

gnomAD v4.1: 4 of 1,612,650 alleles (0.00025%); highest among the groups gnomAD compares: Non-Finnish European, 0.00034%; no homozygotes.

Submission:

GeneDx
Classification: Uncertain significance. Last evaluated: 2025-01-30. Review status: criteria provided, single submitter. Criteria: GeneDx Variant Classification Process June 2021. Collection method: clinical testing. Allele origin: germline.
Comment: Not observed at significant frequency in large population cohorts (gnomAD); In silico analysis supports that this missense variant has a deleterious effect on protein structure/function; Has not been previously published as pathogenic or benign to our knowledge

NM_001083619.3(GRIA2):c.2003A>T (p.Tyr668Phe)

Gene: GRIA2 (glutamate ionotropic receptor AMPA type subunit 2; plus strand). Cytogenetic location: 4q32.1.
Variant type: single nucleotide variant.
Coding change: c.2003A>T on transcript NM_001083619.3 (MANE Select); coding-DNA position 2003, A replaced by T.
Protein change: p.Tyr668Phe; replaces tyrosine 668 with phenylalanine.
Molecular consequence: missense variant.
Genome position (GRCh38, 1-based): chr4:157,341,422, A>T. VCF-style: chr4-157341422-A-T. GRCh37 (hg19) VCF-style: chr4-158262574-A-T.
Other names: c.2003A>T, p.Tyr668Phe (NM_000826.6); c.1862A>T, p.Tyr621Phe (NM_001083620.3, NM_001379000.3, NM_001379001.3); short protein forms Y621F, Y668F.
Identifiers: ClinVar variation 3365990 (VCV003365990.2).